The following is an entry in ClinVar:

NM_022042.4(SLC26A1):c.190C>T (p.Arg64Cys)

Genes: IDUA (alpha-L-iduronidase; plus strand), SLC26A1 (solute carrier family 26 member 1; minus strand). Cytogenetic location: 4p16.3.
Variant type: single nucleotide variant.
Coding change: c.190C>T on transcript NM_022042.4 (MANE Select); coding-DNA position 190, C replaced by T.
Protein change: p.Arg64Cys; replaces arginine 64 with cysteine.
Molecular consequence: missense variant. On other transcripts: intron variant (1).
Genome position (GRCh38, 1-based): chr4:991,514, G>A on the plus strand (C>T on the coding strand, the complement: SLC26A1 is on the minus strand). VCF-style: chr4-991514-G-A. GRCh37 (hg19) VCF-style: chr4-985302-G-A.
Other names: c.190C>T, p.Arg64Cys (NM_134425.4, NM_213613.4); c.299+3565G>A (NM_000203.5); short protein forms R64C.
Identifiers: ClinVar variation 2179660 (VCV002179660.6), dbSNP rs557753555, ClinGen allele CA2801750.

ClinVar aggregate classification (germline): Uncertain significance. Review status: criteria provided, multiple submitters, no conflicts (2 of 4 stars). 2 submissions from 2 submitters: Uncertain significance (2). Last evaluated 2025-06-17.

Conditions:
Inborn genetic diseases. Identifiers: MedGen C0950123, MeSH D030342.

Allele frequency attached by ClinVar (database versions not stated): gnomAD 0.00002; TOPMed 0.00002; gnomAD exomes 0.00010; ExAC 0.00011.
gnomAD v4.1: 145 of 1,608,406 alleles (0.009%); highest among the groups gnomAD compares: South Asian, 0.099%; no homozygotes.

Submissions (2):

Ambry Genetics
Classification: Uncertain significance for Inborn genetic diseases. Last evaluated: 2025-06-17. Review status: criteria provided, single submitter. Criteria: Ambry Variant Classification Scheme 2023. Collection method: clinical testing. Allele origin: germline.

Labcorp Genetics (formerly Invitae), Labcorp
Classification: Uncertain significance. Last evaluated: 2022-05-12. Review status: criteria provided, single submitter. Criteria: Invitae Variant Classification Sherloc (09022015). Collection method: clinical testing. Allele origin: germline.
Comment: In summary, the available evidence is currently insufficient to determine the role of this variant in disease. Therefore, it has been classified as a Variant of Uncertain Significance. Algorithms developed to predict the effect of missense changes on protein structure and function are either unavailable or do not agree on the potential impact of this missense change (SIFT: "Deleterious"; PolyPhen-2: "Possibly Damaging"; Align-GVGD: "Class C15"). This variant has not been reported in the literature in individuals affected with SLC26A1-related conditions. This variant is present in population databases (rs557753555, gnomAD 0.09%), and has an allele count higher than expected for a pathogenic variant. This sequence change replaces arginine, which is basic and polar, with cysteine, which is neutral and slightly polar, at codon 64 of the SLC26A1 protein (p.Arg64Cys).